The following is an entry in ClinVar:

NM_014915.3(ANKRD26):c.259G>T (p.Ala87Ser)

Gene: ANKRD26 (ankyrin repeat domain containing 26; minus strand). Cytogenetic location: 10p12.1.
Variant type: single nucleotide variant.
Coding change: c.259G>T on transcript NM_014915.3 (MANE Select); coding-DNA position 259, G replaced by T.
Protein change: p.Ala87Ser; replaces alanine 87 with serine.
Molecular consequence: missense variant.
Genome position (GRCh38, 1-based): chr10:27,093,783, C>A on the plus strand (G>T on the coding strand, the complement: ANKRD26 is on the minus strand). VCF-style: chr10-27093783-C-A. GRCh37 (hg19) VCF-style: chr10-27382712-C-A.
Other names: c.259G>T, p.Ala87Ser (NM_001256053.2); short protein forms A87S.
Identifiers: ClinVar variation 3872230 (VCV003872230.1).

ClinVar aggregate classification (germline): Uncertain significance (1 of 4 stars; one submission).

Conditions:
Inborn genetic diseases. Identifiers: MedGen C0950123, MeSH D030342.

gnomAD v4.1: 6 of 1,614,106 alleles (0.00037%); highest among the groups gnomAD compares: South Asian, 0.0066%; no homozygotes.

Submission:

Ambry Genetics
Classification: Uncertain significance for Inborn genetic diseases. Last evaluated: 2025-03-14. Review status: criteria provided, single submitter. Criteria: Ambry Variant Classification Scheme 2023. Collection method: clinical testing. Allele origin: germline.
Comment: The p.A87S variant (also known as c.259G>T), located in coding exon 2 of the ANKRD26 gene, results from a G to T substitution at nucleotide position 259. The alanine at codon 87 is replaced by serine, an amino acid with similar properties. This amino acid position is conserved. In addition, the in silico prediction for this alteration is inconclusive. Based on the available evidence, the clinical significance of this variant remains unclear.